The following is an entry in ClinVar:

ClinVar aggregate classification (germline): Pathogenic (1 of 4 stars; one submission).

Conditions:
Gamma-aminobutyric acid transaminase deficiency (GABATD). Also called: GABA aminotransaminase deficiency; GABA transaminase deficiency; Gamma aminobutyrate transaminase deficiency; 4 alpha aminobutyrate transaminase deficiency. Identifiers: Orphanet 2066, MedGen C0342708, MONDO:0013166, OMIM 613163.

Submission:

Labcorp Genetics (formerly Invitae), Labcorp
Classification: Pathogenic for Gamma-aminobutyric acid transaminase deficiency. Last evaluated: 2026-02-03. Review status: criteria provided, single submitter. Criteria: Invitae Variant Classification Sherloc (09022015). Collection method: clinical testing. Allele origin: germline.
Comment: This sequence change creates a premature translational stop signal (p.Pro136Argfs*37) in the ABAT gene. It is expected to result in an absent or disrupted protein product. Loss-of-function variants in ABAT are known to be pathogenic (PMID: 20052547, 25738457). This variant is not present in population databases (gnomAD no frequency). This variant has not been reported in the literature in individuals affected with ABAT-related conditions. For these reasons, this variant has been classified as Pathogenic.

Literature cited by the submitters: PubMed 20052547; PubMed 25738457.

NM_020686.6(ABAT):c.405del (p.Pro136fs)

Gene: ABAT (4-aminobutyrate aminotransferase; plus strand). Cytogenetic location: 16p13.2.
Variant type: Deletion.
Coding change: c.405del on transcript NM_020686.6 (MANE Select); coding-DNA position 405, one base deleted (T; older notation c.405delT).
Protein change: p.Pro136fs; shifts the reading frame from proline 136.
Molecular consequence: frameshift variant.
Genome position (GRCh38, 1-based): chr16:8,764,107, T deleted. VCF-style (leftmost placement, unchanged base first): chr16-8764106-CT-C. GRCh37 (hg19) VCF-style: chr16-8857963-CT-C.
Other names: c.405del, p.Pro136fs (NM_000663.5, NM_001127448.2, NM_001386600.1 and 10 more transcripts); c.270del, p.Pro91fs (NM_001386610.1, NM_001386611.1, NM_001386612.1 and 1 more transcripts); c.159del, p.Pro54fs (NM_001386614.1); c.501del, p.Pro168fs (NM_001386615.1); short protein forms P136fs, P168fs, P91fs, P54fs.
Identifiers: ClinVar variation 4736587 (VCV004736587.1).